The following is an entry in ClinVar:

NM_000135.4(FANCA):c.4285G>A (p.Asp1429Asn)

Genes: FANCA (FA complementation group A; minus strand), ZNF276 (zinc finger protein 276; plus strand). Cytogenetic location: 16q24.3.
Variant type: single nucleotide variant.
Coding change: c.4285G>A on transcript NM_000135.4 (MANE Select); coding-DNA position 4285, G replaced by A.
Protein change: p.Asp1429Asn; replaces aspartic acid 1429 with asparagine.
Molecular consequence: missense variant. On other transcripts: 3 prime UTR variant (3), non-coding transcript variant (4).
Genome position (GRCh38, 1-based): chr16:89,738,684, C>T on the plus strand (G>A on the coding strand, the complement: FANCA is on the minus strand). VCF-style: chr16-89738684-C-T. GRCh37 (hg19) VCF-style: chr16-89805092-C-T.
Other names: c.4285G>A (NM_000135.3); c.*14G>A (NM_001286167.3); c.*438C>T (NM_001113525.2, NM_152287.4); short protein forms D1429N.
Identifiers: ClinVar variation 884284 (VCV000884284.30), dbSNP rs748856769, ClinGen allele CA8250589.

ClinVar aggregate classification (germline): Conflicting classifications of pathogenicity. Review status: criteria provided, conflicting classifications (1 of 4 stars). 6 submissions from 6 submitters: Pathogenic (1); Uncertain significance (4). 1 of the submissions does not count toward it. Last evaluated 2025-09-02.

Conditions:
Fanconi anemia complementation group A (FANCA). Also called: FANCA-Related Fanconi Anemia; Fanconi anemia, group A. Identifiers: Orphanet 84, MedGen C3469521, MONDO:0009215, OMIM 227650.
Fanconi anemia (FA). Also called: Fanconi's anemia. Identifiers: Orphanet 84, MedGen C0015625, MeSH D005199, MONDO:0019391.

Allele frequency attached by ClinVar (database versions not stated): ExAC 0.00001; TOPMed 0.00003.
gnomAD v4.1: 22 of 1,613,796 alleles (0.0014%); highest among the groups gnomAD compares: Non-Finnish European, 0.0017%; no homozygotes.

Submissions (6):

Labcorp Genetics (formerly Invitae), Labcorp
Classification: Pathogenic for Fanconi anemia. Last evaluated: 2025-09-02. Review status: criteria provided, single submitter. Criteria: Invitae Variant Classification Sherloc (09022015). Collection method: clinical testing. Allele origin: germline.
Comment: This sequence change replaces aspartic acid, which is acidic and polar, with asparagine, which is neutral and polar, at codon 1429 of the FANCA protein (p.Asp1429Asn). This variant is present in population databases (rs748856769, gnomAD 0.002%). This missense change has been observed in individual(s) with clinical features of Fanconi anemia (PMID: 37865086; internal data). In at least one individual the data is consistent with being in trans (on the opposite chromosome) from a pathogenic variant. ClinVar contains an entry for this variant (Variation ID: 884284). Invitae Evidence Modeling of protein sequence and biophysical properties (such as structural, functional, and spatial information, amino acid conservation, physicochemical variation, residue mobility, and thermodynamic stability) indicates that this missense variant is expected to disrupt FANCA protein function with a positive predictive value of 95%. For these reasons, this variant has been classified as Pathogenic.

CeGaT Center for Human Genetics Tuebingen
Classification: Uncertain significance. Last evaluated: 2024-08-01. Review status: criteria provided, single submitter. Criteria: CeGaT Center For Human Genetics Tuebingen Variant Classification Criteria Version 2. Collection method: clinical testing. Allele origin: germline. Affected: yes. Observed: 1 variant allele.
Comment: FANCA: PM2, PM3:Supporting

Laboratorio de Genetica e Diagnostico Molecular, Hospital Israelita Albert Einstein
Classification: Uncertain significance for Fanconi anemia complementation group A. Last evaluated: 2024-07-07. Review status: criteria provided, single submitter. Criteria: ACMG Guidelines, 2015. Collection method: clinical testing. Allele origin: germline. Affected: yes.
Comment: ACMG classification criteria: PM2 supporting, PM3 supporting

Quest Diagnostics Nichols Institute San Juan Capistrano
Classification: Uncertain significance. Last evaluated: 2021-06-13. Review status: criteria provided, single submitter. Criteria: Quest Diagnostics criteria. Collection method: clinical testing. Allele origin: unknown.

Illumina Laboratory Services, Illumina
Classification: Uncertain significance for Fanconi anemia complementation group A. Last evaluated: 2018-01-12. Review status: criteria provided, single submitter. Criteria: ICSL Variant Classification Criteria 13 December 2019. Collection method: clinical testing. Allele origin: germline.

Natera, Inc.
Classification: Uncertain significance for Fanconi anemia. Last evaluated: 2020-01-21. Review status: no assertion criteria provided. Collection method: clinical testing. Allele origin: germline. Not counted in ClinVar's aggregate classification.

Literature cited by the submitters: PubMed 37865086 (cited by Labcorp Genetics (formerly Invitae), Labcorp).